The following is an entry in ClinVar:

NM_001363711.2(DUOX2):c.3803A>G (p.Lys1268Arg)

Gene: DUOX2 (dual oxidase 2; minus strand). Cytogenetic location: 15q21.1.
Variant type: single nucleotide variant.
Coding change: c.3803A>G on transcript NM_001363711.2 (MANE Select); coding-DNA position 3803, A replaced by G.
Protein change: p.Lys1268Arg; replaces lysine 1268 with arginine.
Molecular consequence: missense variant.
Genome position (GRCh38, 1-based): chr15:45,097,282, T>C on the plus strand (A>G on the coding strand, the complement: DUOX2 is on the minus strand). VCF-style: chr15-45097282-T-C. GRCh37 (hg19) VCF-style: chr15-45389480-T-C.
Other names: c.3803A>G, p.Lys1268Arg (NM_014080.5); short protein forms K1268R.
Identifiers: ClinVar variation 4744813 (VCV004744813.1).

ClinVar aggregate classification (germline): Uncertain significance (1 of 4 stars; one submission).

gnomAD v4.1: 1 of 1,614,238 alleles (0.000062%); no homozygotes.

Submission:

Labcorp Genetics (formerly Invitae), Labcorp
Classification: Uncertain significance. Last evaluated: 2025-03-24. Review status: criteria provided, single submitter. Criteria: Invitae Variant Classification Sherloc (09022015). Collection method: clinical testing. Allele origin: germline.
Comment: This sequence change replaces lysine, which is basic and polar, with arginine, which is basic and polar, at codon 1268 of the DUOX2 protein (p.Lys1268Arg). This variant is not present in population databases (gnomAD no frequency). This variant has not been reported in the literature in individuals affected with DUOX2-related conditions. Invitae Evidence Modeling of protein sequence and biophysical properties (such as structural, functional, and spatial information, amino acid conservation, physicochemical variation, residue mobility, and thermodynamic stability) indicates that this missense variant is not expected to disrupt DUOX2 protein function with a negative predictive value of 80%. In summary, the available evidence is currently insufficient to determine the role of this variant in disease. Therefore, it has been classified as a Variant of Uncertain Significance.